The following is an entry in ClinVar:

NM_002386.4(MC1R):c.586T>G (p.Phe196Val)

Gene: MC1R (melanocortin 1 receptor; plus strand). Cytogenetic location: 16q24.3.
Variant type: single nucleotide variant.
Coding change: c.586T>G on transcript NM_002386.4 (MANE Select); coding-DNA position 586, T replaced by G.
Protein change: p.Phe196Val; replaces phenylalanine 196 with valine.
Molecular consequence: missense variant.
Genome position (GRCh38, 1-based): chr16:89,919,844, T>G. VCF-style: chr16-89919844-T-G. GRCh37 (hg19) VCF-style: chr16-89986252-T-G.
Other names: short protein forms F196V.
Identifiers: ClinVar variation 2756152 (VCV002756152.3), dbSNP rs3212366, ClinGen allele CA286607556.

ClinVar aggregate classification (germline): Uncertain significance (1 of 4 stars; one submission).

Conditions:
Melanoma, cutaneous malignant, susceptibility to, 5. Also called: Cutaneous malignant melanoma 5. Identifiers: Orphanet 618, MedGen C2751295, MONDO:0013133, OMIM 613099.

Submission:

Labcorp Genetics (formerly Invitae), Labcorp
Classification: Uncertain significance for Melanoma, cutaneous malignant, susceptibility to, 5. Last evaluated: 2024-06-06. Review status: criteria provided, single submitter. Criteria: Invitae Variant Classification Sherloc (09022015). Collection method: clinical testing. Allele origin: germline.
Comment: This sequence change replaces phenylalanine, which is neutral and non-polar, with valine, which is neutral and non-polar, at codon 196 of the MC1R protein (p.Phe196Val). This variant is present in population databases (no rsID available, gnomAD 0.0009%). This missense change has been observed in individual(s) with malignant melanoma (PMID: 19320745). Advanced modeling of protein sequence and biophysical properties (such as structural, functional, and spatial information, amino acid conservation, physicochemical variation, residue mobility, and thermodynamic stability) performed at Invitae indicates that this missense variant is not expected to disrupt MC1R protein function with a negative predictive value of 80%. In summary, the available evidence is currently insufficient to determine the role of this variant in disease. Therefore, it has been classified as a Variant of Uncertain Significance.

Literature cited by the submitters: PubMed 19320745.